The following is an entry in ClinVar:

ClinVar aggregate classification (germline): Uncertain significance. Review status: criteria provided, multiple submitters, no conflicts (2 of 4 stars). 2 submissions from 2 submitters: Uncertain significance (2). Last evaluated 2026-07-01.

Conditions:
Inborn genetic diseases. Identifiers: MedGen C0950123, MeSH D030342.

gnomAD v4.1: 90 of 1,613,460 alleles (0.0056%); highest among the groups gnomAD compares: Non-Finnish European, 0.0071%; no homozygotes.

Submissions (2):

CeGaT Center for Human Genetics Tuebingen
Classification: Uncertain significance. Last evaluated: 2026-07-01. Review status: criteria provided, single submitter. Criteria: CeGaT Center For Human Genetics Tuebingen Variant Classification Criteria Version 2. Collection method: clinical testing. Allele origin: germline. Affected: yes. Observed: 1 variant allele.
Comment: TBCD: PM2, PP3

Ambry Genetics
Classification: Uncertain significance for Inborn genetic diseases. Last evaluated: 2025-04-04. Review status: criteria provided, single submitter. Criteria: Ambry Variant Classification Scheme 2023. Collection method: clinical testing. Allele origin: germline.

NM_005993.5(TBCD):c.1391G>A (p.Arg464Lys)

Gene: TBCD (tubulin folding cofactor D). Cytogenetic location: 17q25.3.
Variant type: single nucleotide variant.
Coding change: c.1391G>A on transcript NM_005993.5 (MANE Select); coding-DNA position 1391, G replaced by A.
Protein change: p.Arg464Lys; replaces arginine 464 with lysine.
Molecular consequence: missense variant.
Genome position (GRCh38, 1-based): chr17:82,870,296, G>A. VCF-style: chr17-82870296-G-A. GRCh37 (hg19) VCF-style: chr17-80828172-G-A.
Other names: c.1340G>A, p.Arg447Lys (NM_001411101.1); c.1391G>A, p.Arg464Lys (NM_001411102.1); short protein forms R464K, R447K.
Identifiers: ClinVar variation 3966106 (VCV003966106.2).